The following is an entry in ClinVar:

NM_006516.4(SLC2A1):c.998G>A (p.Arg333Gln)

Gene: SLC2A1 (solute carrier family 2 member 1; minus strand). Cytogenetic location: 1p34.2.
Variant type: single nucleotide variant.
Coding change: c.998G>A on transcript NM_006516.4 (MANE Select); coding-DNA position 998, G replaced by A.
Protein change: p.Arg333Gln; replaces arginine 333 with glutamine.
Molecular consequence: missense variant.
Genome position (GRCh38, 1-based): chr1:42,929,008, C>T on the plus strand (G>A on the coding strand, the complement: SLC2A1 is on the minus strand). VCF-style: chr1-42929008-C-T. GRCh37 (hg19) VCF-style: chr1-43394679-C-T.
Other names: short protein forms R333Q.
Identifiers: ClinVar variation 448897 (VCV000448897.60), dbSNP rs1553155986, ClinGen allele CA339956017.

ClinVar aggregate classification (germline): Pathogenic/Likely pathogenic. Review status: criteria provided, multiple submitters, no conflicts (2 of 4 stars). 10 submissions from 10 submitters: Pathogenic (7); Likely pathogenic (3). Last evaluated 2025-10-26.

Conditions:
SLC2A1-related disorder. Also called: SLC2A1-related condition; SLC2A1-related disorders.
GLUT1 deficiency syndrome 1, autosomal recessive. Identifiers: MedGen C3149117.
Childhood onset GLUT1 deficiency syndrome 2. Also called: PxMD-SLC2A1; Exertion-induced paroxysmal dyskinesia; PAROXYSMAL EXERCISE-INDUCED DYSKINESIA WITH OR WITHOUT EPILEPSY AND/OR HEMOLYTIC ANEMIA; PAROXYSMAL EXERTION-INDUCED DYSTONIA WITH OR WITHOUT EPILEPSY AND/OR HEMOLYTIC ANEMIA; PED WITH OR WITHOUT EPILEPSY AND/OR HEMOLYTIC ANEMIA; GLUT1 deficiency syndrome 2. Identifiers: Orphanet 98811, MedGen C1842534, MONDO:0012805, OMIM 612126.
Encephalopathy due to GLUT1 deficiency. Also called: GLUT1 deficiency syndrome 1, infantile onset, severe; De Vivo disease; GLUCOSE TRANSPORT DEFECT, BLOOD-BRAIN BARRIER; Glucose transporter protein syndrome; GLUT1 deficiency syndrome 1; Classic Glucose Transporter Type 1 Deficiency Syndrome. Identifiers: Orphanet 71277, MedGen C4551966, MONDO:0011724, OMIM 606777.

Submissions (10):

Labcorp Genetics (formerly Invitae), Labcorp
Classification: Pathogenic for GLUT1 deficiency syndrome 1, autosomal recessive. Last evaluated: 2025-10-26. Review status: criteria provided, single submitter. Criteria: Invitae Variant Classification Sherloc (09022015). Collection method: clinical testing. Allele origin: germline.
Comment: This sequence change replaces arginine, which is basic and polar, with glutamine, which is neutral and polar, at codon 333 of the SLC2A1 protein (p.Arg333Gln). This variant is not present in population databases (gnomAD no frequency). This missense change has been observed in individual(s) with GLUT1-deficiency syndrome and paroxysmal exertion induced dystonia (PMID: 19630075, 20129935, 26193382, 26598494). ClinVar contains an entry for this variant (Variation ID: 448897). Invitae Evidence Modeling of protein sequence and biophysical properties (such as structural, functional, and spatial information, amino acid conservation, physicochemical variation, residue mobility, and thermodynamic stability) indicates that this missense variant is expected to disrupt SLC2A1 protein function with a positive predictive value of 95%. This variant disrupts the p.Arg333 amino acid residue in SLC2A1. Other variant(s) that disrupt this residue have been determined to be pathogenic (PMID: 11477212, 21555602). This suggests that this residue is clinically significant, and that variants that disrupt this residue are likely to be disease-causing. For these reasons, this variant has been classified as Pathogenic.

3billion
Classification: Pathogenic for SLC2A1-related disorder. Last evaluated: 2025-03-12. Review status: criteria provided, single submitter. Criteria: ACMG Guidelines, 2015. Collection method: clinical testing. Allele origin: germline. Affected: yes.
Comment: The variant is not observed in the gnomAD v4.1.0 dataset. Predicted Consequence/Location: Missense variant In silico tool predictions suggest damaging effect of the variant on gene or gene product [REVEL: 0.91 (>=0.6, sensitivity 0.68 and specificity 0.92); 3Cnet: 0.99 (> 0.75, sensitivity 0.96 and precision 0.92)]. The same nucleotide change resulting in the same amino acid change has been previously reported as pathogenic/likely pathogenic with strong evidence (ClinVar ID: VCV000448897 / PMID: 19630075). The variant has been observed in multiple (>3) similarly affected unrelated individuals (PMID: 19630075, 20129935, 26193382, 26598494). A different missense change at the same codon (p.Arg333Trp) has been reported as pathogenic/likely pathogenic with strong evidence (ClinVar ID: VCV000198842 / PMID: 10980529 / 3billion dataset) Therefore, this variant is classified as Pathogenic according to the recommendation of ACMG/AMP guideline.

Genome-Nilou Lab
Classification: Likely pathogenic for Encephalopathy due to GLUT1 deficiency. Last evaluated: 2023-04-11. Review status: criteria provided, single submitter. Criteria: ACMG Guidelines, 2015. Collection method: clinical testing. Allele origin: germline. Affected: no.

GeneDx
Classification: Pathogenic. Last evaluated: 2023-02-21. Review status: criteria provided, single submitter. Criteria: GeneDx Variant Classification Process June 2021. Collection method: clinical testing. Allele origin: germline. Affected: yes.
Comment: Not observed at significant frequency in large population cohorts (gnomAD); In silico analysis supports that this missense variant has a deleterious effect on protein structure/function; This variant is associated with the following publications: (PMID: 26193382, 35146065, 24847886, 19630075, 19554569, 31302675, 32753446, 28042592)

Victorian Clinical Genetics Services, Murdoch Childrens Research Institute
Classification: Pathogenic for Encephalopathy due to GLUT1 deficiency. Last evaluated: 2022-02-02. Review status: criteria provided, single submitter. Criteria: ACMG Guidelines, 2015. Collection method: clinical testing. Allele origin: germline. Affected: yes.
Comment: Based on the classification scheme VCGS_Germline_v1.3.4, this variant is classified as Pathogenic. Following criteria are met: 0102 - Loss of function is a known mechanism of disease in this gene and is associated with SLC2A1-related disorders (MIM# 614847, 601042, 606777, 612126). (I) 0108 - This gene is associated with both recessive and dominant disease. Autosomal dominant is the common mode of inheritance with rare reports of autosomal recessive inheritance (GeneReviews). (I) 0112 - The condition associated with this gene has incomplete penetrance. While penetrance is largely complete for GLUT1 deficiency syndrome, reduced penetrance has been reported for stomatin-deficient cryohydrocytosis with neurologic defects, generalized idiopathic epilepsy and a single family with GLUT1 deficiency syndrome (GeneReviews, OMIM). (I) 0115 - Variants in this gene are known to have variable expressivity. Missense variants have been described to lead to a milder phenotype compared to null variants (GeneReviews). (I) 0200 - Variant is predicted to result in a missense amino acid change from arginine to glutamine. (I) 0251 - This variant is heterozygous. (I) 0301 - Variant is absent from gnomAD (both v2 and v3). (SP) 0501 - Missense variant consistently predicted to be damaging by multiple in silico tools or highly conserved with a major amino acid change. (SP) 0600 - Variant is located in the annotated glucose transporter within the cytoplasmic region (DECIPHER, NCBI, Uniprot). (I) 0801 - This variant has strong previous evidence of pathogenicity in unrelated individuals. It’s been reported in at least nine patients with GLUT1 deficiency syndrome, including de novo events. This variant has also been classified as pathogenic by diagnostic laboratories in ClinVar (PMID: 20129935, 24487825, 26193382, 26598494, 28042592, 32753446). (SP) 1208 - Inheritance information for this variant is not currently available in this individual. (I) Legend: (SP) - Supporting pathogenic, (I) - Information, (SB) - Supporting benign

MGZ Medical Genetics Center
Classification: Likely pathogenic for Childhood onset GLUT1 deficiency syndrome 2. Last evaluated: 2021-10-04. Review status: criteria provided, single submitter. Criteria: ACMG Guidelines, 2015. Collection method: clinical testing. Allele origin: germline. Affected: yes. Observed: 1 variant allele.
Comment: ACMG criteria applied: PS4_MOD, PM1, PM5, PM6, PM2_SUP, PP3

Greenwood Genetic Center Diagnostic Laboratories, Greenwood Genetic Center
Classification: Pathogenic for Encephalopathy due to GLUT1 deficiency; Childhood onset GLUT1 deficiency syndrome 2. Last evaluated: 2021-04-20. Review status: criteria provided, single submitter. Criteria: ACMG Guidelines, 2015. Collection method: clinical testing. Allele origin: germline. Affected: yes.
Comment: PS4, PP3, PM2, PM5, PM6

Illumina Laboratory Services, Illumina
Classification: Pathogenic for Encephalopathy due to GLUT1 deficiency. Last evaluated: 2020-09-16. Review status: criteria provided, single submitter. Criteria: ICSLVariantClassificationCriteria RUGD 01 April 2020. Collection method: clinical testing. Allele origin: unknown.
Comment: The SLC2A1 c.998G>A p.(Arg333Gln) variant is a missense variant that has been reported in at least six unrelated individuals with glucose transporter type I (GLUT1) deficiency (Schneider et al. 2009; Leen et al. 2010; Baschieri et al. 2014; Hully et al. 2015; Gardiner et al. 2015). The clinical features described in these individuals varied and included paroxysmal exercise-induced and kinesigenic dyskinesia, GLUT1 deficiency syndrome, and late-onset classical GLUT1 deficiency syndrome. The p.(Arg333Gln) variant is absent from a region of good coverage in the Genome Aggregation Database, indicating it is rare. Arginine 333 is part of a highly conserved Arg-X-Gly-Arg-Arg motif between helices eight and nine that is believed to play an important role in the transporter's membrane topology (Sato and Mueckler 1999). Multiple individuals with a different missense change at the same position, p.(Arg333Trp), have also been reported (Hully et al. 2015; Gardner et al. 2015). Based on the collective evidence, the p.(Arg333Gln) variant is classified as pathogenic for glucose transporter type I deficiency syndrome.

HudsonAlpha Institute for Biotechnology
Classification: Likely pathogenic for Encephalopathy due to GLUT1 deficiency. Last evaluated: 2017-10-16. Review status: criteria provided, single submitter. Criteria: HA_PGEN_assertions_20170620. Collection method: research. Allele origin: unknown. Affected: yes. Observed: 1 variant allele.

CeGaT Center for Human Genetics Tuebingen
Classification: Pathogenic. Last evaluated: 2017-08-01. Review status: criteria provided, single submitter. Criteria: CeGaT Center For Human Genetics Tuebingen Variant Classification Criteria Version 2. Collection method: clinical testing. Allele origin: germline. Affected: yes. Observed: 1 variant allele.

Literature cited by the submitters: PubMed 19630075 (cited by Labcorp Genetics (formerly Invitae), Labcorp and 3billion); PubMed 20129935 (cited by 3 submitters); PubMed 26193382 (cited by 3 submitters); PubMed 26598494 (cited by 3 submitters); PubMed 11477212 (cited by Labcorp Genetics (formerly Invitae), Labcorp); PubMed 21555602 (cited by Labcorp Genetics (formerly Invitae), Labcorp); PubMed 10980529 (cited by 3billion); PubMed 24487825 (cited by Victorian Clinical Genetics Services, Murdoch Childrens Research Institute); PubMed 28042592 (cited by Victorian Clinical Genetics Services, Murdoch Childrens Research Institute); PubMed 32753446 (cited by Victorian Clinical Genetics Services, Murdoch Childrens Research Institute).